The following is an entry in ClinVar:

NM_018180.3(DHX32):c.1081G>C (p.Glu361Gln)

Gene: DHX32 (DEAH-box helicase 32 (putative); minus strand). Cytogenetic location: 10q26.2.
Variant type: single nucleotide variant.
Coding change: c.1081G>C on transcript NM_018180.3 (MANE Select); coding-DNA position 1081, G replaced by C.
Protein change: p.Glu361Gln; replaces glutamic acid 361 with glutamine.
Molecular consequence: missense variant.
Genome position (GRCh38, 1-based): chr10:125,853,972, C>G on the plus strand (G>C on the coding strand, the complement: DHX32 is on the minus strand). VCF-style: chr10-125853972-C-G. GRCh37 (hg19) VCF-style: chr10-127542541-C-G.
Other names: short protein forms E361Q.
Identifiers: ClinVar variation 1487474 (VCV001487474.6), dbSNP rs1357680665, ClinGen allele CA378676353.

ClinVar aggregate classification (germline): Uncertain significance (1 of 4 stars; one submission).

Allele frequency attached by ClinVar (database versions not stated): gnomAD exomes below 0.00001 and 0.00001; gnomAD 0.00001; TOPMed 0.00001.
gnomAD v4.1: 12 of 1,613,592 alleles (0.00074%); highest among the groups gnomAD compares: East Asian, 0.0067%; no homozygotes.

Submission:

Labcorp Genetics (formerly Invitae), Labcorp
Classification: Uncertain significance. Last evaluated: 2022-08-23. Review status: criteria provided, single submitter. Criteria: Invitae Variant Classification Sherloc (09022015). Collection method: clinical testing. Allele origin: germline.
Comment: ClinVar contains an entry for this variant (Variation ID: 1487474). Algorithms developed to predict the effect of missense changes on protein structure and function are either unavailable or do not agree on the potential impact of this missense change (SIFT: "Tolerated"; PolyPhen-2: "Possibly Damaging"; Align-GVGD: "Class C0"). In summary, the available evidence is currently insufficient to determine the role of this variant in disease. Therefore, it has been classified as a Variant of Uncertain Significance. This variant is present in population databases (no rsID available, gnomAD 0.006%). This variant has not been reported in the literature in individuals affected with DHX32-related conditions. This sequence change replaces glutamic acid, which is acidic and polar, with glutamine, which is neutral and polar, at codon 361 of the DHX32 protein (p.Glu361Gln).